The following is an entry in ClinVar:

NM_001378454.1(ALMS1):c.298G>A (p.Glu100Lys)

Gene: ALMS1 (ALMS1 centrosome and basal body associated protein; plus strand). Cytogenetic location: 2p13.1.
Variant type: single nucleotide variant.
Coding change: c.298G>A on transcript NM_001378454.1 (MANE Select); coding-DNA position 298, G replaced by A.
Protein change: p.Glu100Lys; replaces glutamic acid 100 with lysine.
Molecular consequence: missense variant.
Genome position (GRCh38, 1-based): chr2:73,386,166, G>A. VCF-style: chr2-73386166-G-A. GRCh37 (hg19) VCF-style: chr2-73613294-G-A.
Other names: c.301G>A, p.Glu101Lys (NM_015120.4); short protein forms E100K, E101K.
Identifiers: ClinVar variation 4989941 (VCV004989941.1).
Genomic context (GRCh38, chr2:73,386,166, plus strand): 5'-CTGCAGGCGCACCCCGGCAGGATTTTGCCTCCGCTGTCGCCCCCGCAGCACCGCTACTCG[G>A]AGGGCGAGCGGACCTCCCTGGAGAAGGTGAGGCGGGCCGGGGAGGGGTGTGGAGCCGCGG-3'
Protein context (NP_001365383.1, residues 90-110): PLSPPQHRYS[Glu100Lys]GERTSLEKIV

ClinVar aggregate classification (germline): Uncertain significance (1 of 4 stars; one submission).

Conditions:
ALMS1-related disorder. Also called: ALMS1-related condition.

gnomAD v4.1: 2 of 1,550,184 alleles (0.00013%); highest among the groups gnomAD compares: Middle Eastern, 0.034%; no homozygotes.

Submission:

PreventionGenetics, part of Exact Sciences
Classification: Uncertain significance for ALMS1-related condition. Last evaluated: 2025-06-23. Review status: criteria provided, single submitter. Criteria: ACMG Guidelines, 2015. Collection method: clinical testing. Allele origin: germline.
Comment: The ALMS1 c.301G>A variant is predicted to result in the amino acid substitution p.Gly101Ser. To our knowledge, this variant has not been reported in the literature. This variant is reported in 0.0036% of alleles in individuals of European (Non-Finnish) descent in gnomAD. At this time, the clinical significance of this variant is uncertain due to the absence of conclusive functional and genetic evidence.